The following is an entry in ClinVar:

NM_001267550.2(TTN):c.78382C>T (p.Arg26128Cys)

Genes: TTN (titin; minus strand), TTN-AS1 (TTN antisense RNA 1; plus strand). Cytogenetic location: 2q31.2.
Variant type: single nucleotide variant.
Coding change: c.78382C>T on transcript NM_001267550.2 (MANE Select); coding-DNA position 78382, C replaced by T.
Protein change: p.Arg26128Cys; replaces arginine 26128 with cysteine.
Molecular consequence: missense variant.
Genome position (GRCh38, 1-based): chr2:178,567,750, G>A on the plus strand (C>T on the coding strand, the complement: TTN is on the minus strand). VCF-style: chr2-178567750-G-A. GRCh37 (hg19) VCF-style: chr2-179432477-G-A.
Other names: c.73459C>T, p.Arg24487Cys (NM_001256850.1); c.51187C>T, p.Arg17063Cys (NM_003319.4); c.70678C>T, p.Arg23560Cys (NM_133378.4); c.51562C>T, p.Arg17188Cys (NM_133432.3); c.51763C>T, p.Arg17255Cys (NM_133437.4); c.78382C>T (NM_001267550.1); short protein forms R23560C, R17188C, R17255C, R17063C, R24487C, R26128C.
Identifiers: ClinVar variation 892961 (VCV000892961.6), dbSNP rs373530641, ClinGen allele CA1989613.
Genomic context (GRCh38, chr2:178,567,750, plus strand): 5'-ATTGAGTTTCAATGACATTTGTAAAGCTAGCTTTCATCCAACGACCATCAGGCAAATCAC[G>A]TTTCTCTACAATGTAGCCTGTAATCATACTTCCACCATCATACACAGGTTTGGTCCACTG-3'
Protein context (NP_001254479.2, residues 26118-26138): SMITGYIVEK[Arg26128Cys]DLPDGRWMKA

ClinVar aggregate classification (germline): Conflicting classifications of pathogenicity. Review status: criteria provided, conflicting classifications (1 of 4 stars). 7 submissions from 3 submitters: Uncertain significance (6); Likely benign (1). Last evaluated 2025-04-09.

Conditions:
Myopathy, myofibrillar, 9, with early respiratory failure (MFM9). Also called: EDSTROM MYOPATHY; MYOPATHY, PROXIMAL, WITH EARLY RESPIRATORY MUSCLE INVOLVEMENT; Myopathy, distal, with early respiratory failure, autosomal dominant; Hereditary myopathy with early respiratory failure. Identifiers: Orphanet 178464, Orphanet 34521, MedGen C1863599, MONDO:0011362, OMIM 603689.
Autosomal recessive limb-girdle muscular dystrophy type 2J (LGMDR10). Also called: Limb-girdle muscular dystrophy, type 2J; MUSCULAR DYSTROPHY, LIMB-GIRDLE, AUTOSOMAL RECESSIVE 10. Identifiers: Orphanet 140922, MedGen C1837342, MONDO:0012127, OMIM 608807.
Early-onset myopathy with fatal cardiomyopathy (CMYO5). Also called: CONGENITAL MYOPATHY 5 WITH CARDIOMYOPATHY; Salih Myopathy. Identifiers: Orphanet 289377, MedGen C2673677, MONDO:0012714, OMIM 611705. Disease mechanism: loss of function.
Tibial muscular dystrophy (TMD). Also called: Tibial muscular dystrophy, tardive; UDD MYOPATHY; Udd Distal Myopathy – Tibial Muscular Dystrophy. Identifiers: Orphanet 609, MedGen C1838244, MONDO:0010870, OMIM 600334.
Dilated cardiomyopathy 1G (CMD1G). Identifiers: Orphanet 154, MedGen C1858763, MONDO:0011400, OMIM 604145.

Allele frequency attached by ClinVar (database versions not stated): TOPMed 0.00002; ESP Exome Variant Server 0.00017; ExAC 0.00001; gnomAD 0.00001; gnomAD exomes 0.00002.
gnomAD v4.1: 40 of 1,612,852 alleles (0.0025%); highest among the groups gnomAD compares: Non-Finnish European, 0.0027%; no homozygotes.

Submissions (7):

Molecular Diagnostic Laboratory for Inherited Cardiovascular Disease, Montreal Heart Institute
Classification: Likely benign. Last evaluated: 2025-04-09. Review status: criteria provided, single submitter. Criteria: ACMG Guidelines, 2015. Collection method: clinical testing. Allele origin: germline. Affected: no.
Comment: BP1

GeneDx
Classification: Uncertain significance. Last evaluated: 2024-12-10. Review status: criteria provided, single submitter. Criteria: GeneDx Variant Classification Process June 2021. Collection method: clinical testing. Allele origin: germline. Affected: yes.
Comment: Not observed at significant frequency in large population cohorts (gnomAD); Missense variant in a gene in which most reported pathogenic variants are truncating/loss of function; Has not been previously published as pathogenic or benign to our knowledge

Illumina Laboratory Services, Illumina
Classification: Uncertain significance for Dilated cardiomyopathy 1G. Last evaluated: 2018-01-13. Review status: criteria provided, single submitter. Criteria: ICSL Variant Classification Criteria 13 December 2019. Collection method: clinical testing. Allele origin: germline.

Illumina Laboratory Services, Illumina
Classification: Uncertain significance for Early-onset myopathy with fatal cardiomyopathy. Last evaluated: 2018-01-13. Review status: criteria provided, single submitter. Criteria: ICSL Variant Classification Criteria 13 December 2019. Collection method: clinical testing. Allele origin: germline.

Illumina Laboratory Services, Illumina
Classification: Uncertain significance for Tibial muscular dystrophy. Last evaluated: 2018-01-13. Review status: criteria provided, single submitter. Criteria: ICSL Variant Classification Criteria 13 December 2019. Collection method: clinical testing. Allele origin: germline.

Illumina Laboratory Services, Illumina
Classification: Uncertain significance for Autosomal recessive limb-girdle muscular dystrophy type 2J. Last evaluated: 2018-01-13. Review status: criteria provided, single submitter. Criteria: ICSL Variant Classification Criteria 13 December 2019. Collection method: clinical testing. Allele origin: germline.

Illumina Laboratory Services, Illumina
Classification: Uncertain significance for Myopathy, myofibrillar, 9, with early respiratory failure. Last evaluated: 2018-01-13. Review status: criteria provided, single submitter. Criteria: ICSL Variant Classification Criteria 13 December 2019. Collection method: clinical testing. Allele origin: germline.